The following is an entry in ClinVar:

NM_007294.4(BRCA1):c.3870_3877del (p.Lys1290fs)

Genes: BRCA1 (BRCA1 DNA repair associated; minus strand), LOC126862571 (BRD4-independent group 4 enhancer GRCh37_chr17:41243136-41244335; plus strand). Cytogenetic location: 17q21.31.
Variant type: Deletion.
Coding change: c.3870_3877del on transcript NM_007294.4 (MANE Select); coding-DNA positions 3870 to 3877, 8 bases deleted (ATGTTCTG; older notation c.3870_3877delATGTTCTG).
Protein change: p.Lys1290fs; shifts the reading frame from lysine 1290.
Molecular consequence: frameshift variant. On other transcripts: intron variant (135).
Genome position (GRCh38, 1-based): chr17:43,091,654-43,091,661, CAGAACAT deleted on the plus strand (ATGTTCTG on the coding strand, the reverse complement: BRCA1 is on the minus strand). VCF-style (leftmost placement, unchanged base first): chr17-43091653-GCAGAACAT-G. GRCh37 (hg19) VCF-style: chr17-41243670-GCAGAACAT-G.
Other names: c.3657_3664del, p.Lys1219fs (NM_001407571.1, NM_001407853.1, NM_001407894.1 and 9 more transcripts); c.3870_3877del, p.Lys1290fs (NM_001407581.1, NM_001407582.1, NM_001407583.1 and 30 more transcripts); c.3867_3874del, p.Lys1289fs (NM_001407587.1, NM_001407590.1, NM_001407591.1 and 22 more transcripts); c.3861_3868del, p.Lys1287fs (NM_001407646.1, NM_001407647.1); c.3747_3754del, p.Lys1249fs (NM_001407648.1, NM_001407664.1, NM_001407665.1 and 19 more transcripts); c.3744_3751del, p.Lys1248fs (NM_001407649.1, NM_001407670.1, NM_001407671.1 and 11 more transcripts); c.3792_3799del, p.Lys1264fs (NM_001407653.1, NM_001407654.1, NM_001407655.1 and 4 more transcripts); c.3789_3796del, p.Lys1263fs (NM_001407659.1, NM_001407660.1, NM_001407661.1 and 1 more transcripts); and 41 more; short protein forms K1290fs, K1243fs, K1178fs, K1202fs, K1223fs, K1249fs, K1289fs, K994fs.
Identifiers: ClinVar variation 482914 (VCV000482914.6), dbSNP rs1555586879, ClinGen allele CA658656674.

ClinVar aggregate classification (germline): Pathogenic (1 of 4 stars; one submission).

Conditions:
Hereditary cancer-predisposing syndrome. Also called: Neoplastic Syndromes, Hereditary; Tumor predisposition; Hereditary Cancer Syndrome; Hereditary neoplastic syndrome. Identifiers: Orphanet 140162, MedGen C0027672, MeSH D009386, MONDO:0015356.

Submission:

Ambry Genetics
Classification: Pathogenic for Hereditary cancer-predisposing syndrome. Last evaluated: 2016-07-13. Review status: criteria provided, single submitter. Criteria: Ambry Variant Classification Scheme 2023. Collection method: clinical testing. Allele origin: germline.
Comment: The c.3870_3877delATGTTCTG pathogenic mutation, located in coding exon 9 of the BRCA1 gene, results from a deletion of 8 nucleotides at nucleotide positions 3870 to 3877, causing a translational frameshift with a predicted alternate stop codon (p.K1290Nfs*2). This alteration is expected to result in loss of function by premature protein truncation or nonsense-mediated mRNA decay. As such, this alteration is interpreted as a disease-causing mutation.